The following is an entry in ClinVar:

NM_017807.4(OSGEP):c.412-9C>T

Gene: OSGEP (O-sialoglycoprotein endopeptidase; minus strand). Cytogenetic location: 14q11.2.
Variant type: single nucleotide variant.
Coding change: c.412-9C>T on transcript NM_017807.4 (MANE Select); 9 bases into the intron before coding-DNA position 412, C replaced by T.
Molecular consequence: intron variant.
Genome position (GRCh38, 1-based): chr14:20,449,275, G>A on the plus strand (C>T on the coding strand, the complement: OSGEP is on the minus strand). VCF-style: chr14-20449275-G-A. GRCh37 (hg19) VCF-style: chr14-20917434-G-A.
Identifiers: ClinVar variation 797108 (VCV000797108.10), dbSNP rs544299699, ClinGen allele CA7081227.
Genomic context (GRCh38, chr14:20,449,275, plus strand): 5'-TATCGATGGTTTCCCCAAAGATACGGTAACGATGTTCCGAGTATGCAATCACCTAAGGGT[G>A]ATGAGGAAGTCCATGAAACCCCAAGTCTGTAAAGAGGATTATTTGGCTTTGGGAGAAAAA-3'

ClinVar aggregate classification (germline): Benign/Likely benign. Review status: criteria provided, multiple submitters, no conflicts (2 of 4 stars). 4 submissions from 4 submitters: Benign (2); Likely benign (1). 1 of the submissions does not count toward it. Last evaluated 2025-09-23.

Conditions:
OSGEP-related disorder. Also called: OSGEP-related condition.

Allele frequency attached by ClinVar (database versions not stated): gnomAD exomes 0.00004 and 0.00027; TOPMed 0.00014; gnomAD 0.00015; 1000 Genomes Project 0.00020; ExAC 0.00026; 1000 Genomes Project 30x 0.00031.
gnomAD v4.1: 93 of 1,554,378 alleles (0.006%); highest among the groups gnomAD compares: East Asian, 0.18%; no homozygotes.

Submissions (4):

Labcorp Genetics (formerly Invitae), Labcorp
Classification: Benign. Last evaluated: 2025-09-23. Review status: criteria provided, single submitter. Criteria: Invitae Variant Classification Sherloc (09022015). Collection method: clinical testing. Allele origin: germline.

Blueprint Genetics
Classification: Likely benign. Last evaluated: 2023-12-15. Review status: criteria provided, single submitter. Criteria: ACMG Guidelines, 2015. Collection method: clinical testing. Allele origin: germline.

Breakthrough Genomics
Classification: Benign. Review status: criteria provided, single submitter. Criteria: ACMG Guidelines, 2015. Collection method: not provided. Allele origin: germline. Inheritance: Autosomal recessive inheritance. Affected: yes.

PreventionGenetics, part of Exact Sciences
Classification: Likely benign for OSGEP-related condition. Last evaluated: 2022-03-07. Review status: no assertion criteria provided. Collection method: clinical testing. Allele origin: germline. Not counted in ClinVar's aggregate classification.
Comment: This variant is classified as likely benign based on ACMG/AMP sequence variant interpretation guidelines (Richards et al. 2015 PMID: 25741868, with internal and published modifications).